The following is an entry in ClinVar:

NM_001372105.2(H3-7):c.165T>C (p.Tyr55=)

Gene: H3-7 (H3.7 histone (putative); minus strand). Cytogenetic location: 1q21.1.
Variant type: single nucleotide variant.
Coding change: c.165T>C on transcript NM_001372105.2 (MANE Select); coding-DNA position 165, T replaced by C.
Protein change: p.Tyr55=; no amino-acid change (tyrosine 55 retained).
Molecular consequence: synonymous variant.
Genome position (GRCh38, 1-based): chr1:143,905,802, A>G on the plus strand (T>C on the coding strand, the complement: H3-7 is on the minus strand). VCF-style: chr1-143905802-A-G. GRCh37 (hg19) VCF-style: chr1-149400378-A-G.
Other names: c.165T>C, p.Tyr55= (NM_001355409.3).
Identifiers: ClinVar variation 2639144 (VCV002639144.24), dbSNP rs71622635, ClinGen allele CA1069320.
Genomic context (GRCh38, chr1:143,905,802, plus strand): 5'-GATCTCGCGTACCAGCCGCTGGAAGGGCAGCTTGCGGATCAGCAGCTCCGTAGACTTCTG[A>G]TAGCGCCGGATCTCCCGCAGAGCCACGGTGCCGGGCCGGTAGCGGTGCGGCTTCTTCACC-3'
Protein context (NP_001359034.1, residues 45-65): GTVALREIRR[Tyr55=]QKSTELLIRK

ClinVar aggregate classification (germline): Likely benign (1 of 4 stars; one submission).

Allele frequency attached by ClinVar (database versions not stated): ExAC 0.00022; gnomAD exomes 0.00099; 1000 Genomes Project 30x 0.00109; gnomAD 0.00197.
gnomAD v4.1: 1,854 of 1,579,238 alleles (0.12%); highest among the groups gnomAD compares: Middle Eastern, 0.19%; 261 homozygotes.

Submission:

CeGaT Center for Human Genetics Tuebingen
Classification: Likely benign. Last evaluated: 2026-06-01. Review status: criteria provided, single submitter. Criteria: CeGaT Center For Human Genetics Tuebingen Variant Classification Criteria Version 2. Collection method: clinical testing. Allele origin: germline. Affected: yes. Observed: 2 variant alleles.
Comment: H3-7: BP4, BP7, BS2